The following is an entry in ClinVar:

NM_000350.3(ABCA4):c.6049T>C (p.Cys2017Arg)

Gene: ABCA4 (ATP binding cassette subfamily A member 4; minus strand). Cytogenetic location: 1p22.1.
Variant type: single nucleotide variant.
Coding change: c.6049T>C on transcript NM_000350.3 (MANE Select); coding-DNA position 6049, T replaced by C.
Protein change: p.Cys2017Arg; replaces cysteine 2017 with arginine.
Molecular consequence: missense variant.
Genome position (GRCh38, 1-based): chr1:94,005,539, A>G on the plus strand (T>C on the coding strand, the complement: ABCA4 is on the minus strand). VCF-style: chr1-94005539-A-G. GRCh37 (hg19) VCF-style: chr1-94471095-A-G.
Other names: c.5827T>C, p.Cys1943Arg (NM_001425324.1); short protein forms C2017R, C1943R.
Identifiers: ClinVar variation 1458238 (VCV001458238.7), dbSNP rs2101000542, ClinGen allele CA341279108.

ClinVar aggregate classification (germline): Pathogenic/Likely pathogenic. Review status: criteria provided, multiple submitters, no conflicts (2 of 4 stars). 2 submissions from 2 submitters: Pathogenic (1); Likely pathogenic (1). Last evaluated 2023-11-28.

Conditions:
ABCA4-related disorder. Also called: ABCA4-related disorders; ABCA4-related condition. Identifiers: MedGen CN239167.

Allele frequency attached by ClinVar (database versions not stated): gnomAD exomes below 0.00001.
gnomAD v4.1: 1 of 1,614,142 alleles (0.000062%); highest among the groups gnomAD compares: Non-Finnish European, 0.000085%; no homozygotes.

Submissions (2):

Labcorp Genetics (formerly Invitae), Labcorp
Classification: Pathogenic. Last evaluated: 2023-11-28. Review status: criteria provided, single submitter. Criteria: Invitae Variant Classification Sherloc (09022015). Collection method: clinical testing. Allele origin: germline.
Comment: This sequence change replaces cysteine, which is neutral and slightly polar, with arginine, which is basic and polar, at codon 2017 of the ABCA4 protein (p.Cys2017Arg). This variant is not present in population databases (gnomAD no frequency). This missense change has been observed in individual(s) with clinical features of Stargardt disease (Invitae). ClinVar contains an entry for this variant (Variation ID: 1458238). Advanced modeling of protein sequence and biophysical properties (such as structural, functional, and spatial information, amino acid conservation, physicochemical variation, residue mobility, and thermodynamic stability) performed at Invitae indicates that this missense variant is expected to disrupt ABCA4 protein function with a positive predictive value of 95%. This variant disrupts the p.Cys2017 amino acid residue in ABCA4. Other variant(s) that disrupt this residue have been determined to be pathogenic (PMID: 26780318, 33090715). This suggests that this residue is clinically significant, and that variants that disrupt this residue are likely to be disease-causing. For these reasons, this variant has been classified as Pathogenic.

Blueprint Genetics
Classification: Likely pathogenic for ABCA4-related disorders. Last evaluated: 2021-07-09. Review status: criteria provided, single submitter. Criteria: ACMG Guidelines, 2015. Collection method: clinical testing. Allele origin: germline. Affected: yes. Observed: 1 variant allele.

Literature cited by the submitters: PubMed 26780318 (cited by Labcorp Genetics (formerly Invitae), Labcorp); PubMed 33090715 (cited by Labcorp Genetics (formerly Invitae), Labcorp).